The following is an entry in ClinVar:

NM_024408.4(NOTCH2):c.1045C>T (p.Pro349Ser)

Gene: NOTCH2 (notch receptor 2; minus strand). Cytogenetic location: 1p12.
Variant type: single nucleotide variant.
Coding change: c.1045C>T on transcript NM_024408.4 (MANE Select); coding-DNA position 1045, C replaced by T.
Protein change: p.Pro349Ser; replaces proline 349 with serine.
Molecular consequence: missense variant.
Genome position (GRCh38, 1-based): chr1:119,969,574, G>A on the plus strand (C>T on the coding strand, the complement: NOTCH2 is on the minus strand). VCF-style: chr1-119969574-G-A. GRCh37 (hg19) VCF-style: chr1-120512197-G-A.
Other names: c.1045C>T, p.Pro349Ser (NM_001200001.2); short protein forms P349S.
Identifiers: ClinVar variation 3623826 (VCV003623826.2).

ClinVar aggregate classification (germline): Uncertain significance (1 of 4 stars; one submission).

Conditions:
Hajdu-Cheney syndrome (HJCYS). Also called: SERPENTINE FIBULA-POLYCYSTIC KIDNEY SYNDROME; Acroosteolysis dominant type; ACROOSTEOLYSIS WITH OSTEOPOROSIS AND CHANGES IN SKULL AND MANDIBLE. Identifiers: Orphanet 955, MedGen C0917715, MONDO:0007057, OMIM 102500.

Submission:

Labcorp Genetics (formerly Invitae), Labcorp
Classification: Uncertain significance for Hajdu-Cheney syndrome. Last evaluated: 2024-10-22. Review status: criteria provided, single submitter. Criteria: Invitae Variant Classification Sherloc (09022015). Collection method: clinical testing. Allele origin: germline.
Comment: This sequence change replaces proline, which is neutral and non-polar, with serine, which is neutral and polar, at codon 349 of the NOTCH2 protein (p.Pro349Ser). This variant is present in population databases (rs782384872, gnomAD 0.0009%). This variant has not been reported in the literature in individuals affected with NOTCH2-related conditions. Invitae Evidence Modeling of protein sequence and biophysical properties (such as structural, functional, and spatial information, amino acid conservation, physicochemical variation, residue mobility, and thermodynamic stability) indicates that this missense variant is not expected to disrupt NOTCH2 protein function with a negative predictive value of 95%. In summary, the available evidence is currently insufficient to determine the role of this variant in disease. Therefore, it has been classified as a Variant of Uncertain Significance.